The following is an entry in ClinVar:

ClinVar aggregate classification (germline): Pathogenic. Review status: criteria provided, multiple submitters, no conflicts (2 of 4 stars). 4 submissions from 4 submitters: Pathogenic (4). Last evaluated 2025-06-25.

Conditions:
CNOT9-related disorder.
CNOT9-associated neurodevelopmental disorder.

Allele frequency attached by ClinVar (database versions not stated): TOPMed below 0.00001.

Submissions (4):

3billion
Classification: Pathogenic for CNOT9-related disorder. Last evaluated: 2025-06-25. Review status: criteria provided, single submitter. Criteria: ACMG Guidelines, 2015. Collection method: clinical testing. Allele origin: germline. Affected: yes.
Comment: The variant is not observed in the gnomAD v4.1.0 dataset. Predicted Consequence/Location: Missense variant. Missense changes are a common disease-causing mechanism. In silico tool predictions suggest damaging effect of the variant on gene or gene product [3Cnet: 0.92 (> 0.75, sensitivity 0.96 and precision 0.92)]. The same nucleotide change resulting in the same amino acid change has been previously reported as pathogenic/likely pathogenic with strong evidence (ClinVar ID: VCV001706475 /PMID: 37092538). The variant has been previously reported as de novo in a similarly affected individual (PMID: 37092538). Therefore, this variant is classified as Pathogenic according to the recommendation of ACMG/AMP guideline.

HudsonAlpha Institute for Biotechnology
Classification: Pathogenic. Last evaluated: 2025-02-28. Review status: criteria provided, single submitter. Criteria: ACMG Guidelines, 2015. Collection method: research. Allele origin: de novo. Affected: yes. Observed: 1 variant allele. Study: HudsonAlpha-PGEN.

Institute of Human Genetics, University of Leipzig Medical Center
Classification: Pathogenic for CNOT9-associated neurodevelopmental disorder. Last evaluated: 2022-09-28. Review status: criteria provided, single submitter. Criteria: ACMG Guidelines, 2015. Collection method: clinical testing. Allele origin: de novo. Affected: yes. Observed: 8 variant alleles. Clinical features observed: Seizure (HP:0001250), Global developmental delay (HP:0001263), Floppy infant (HP:0008947), Atypical behavior (HP:0000708).
Comment: PS2_VSTR, PM2_SUP, PP2

GeneDx
Classification: Pathogenic. Last evaluated: 2022-09-22. Review status: criteria provided, single submitter. Criteria: GeneDx Variant Classification Process June 2021. Collection method: clinical testing. Allele origin: germline. Affected: yes.
Comment: Not observed at significant frequency in large population cohorts (gnomAD); In silico analysis supports that this missense variant does not alter protein structure/function

Literature cited by the submitters: PubMed 37092538 (cited by 3billion).

NM_005444.3(CNOT9):c.874C>T (p.Arg292Trp)

Gene: CNOT9 (CCR4-NOT transcription complex subunit 9; plus strand). Cytogenetic location: 2q35.
Variant type: single nucleotide variant.
Coding change: c.874C>T on transcript NM_005444.3 (MANE Select); coding-DNA position 874, C replaced by T.
Protein change: p.Arg292Trp; replaces arginine 292 with tryptophan.
Molecular consequence: missense variant. On other transcripts: non-coding transcript variant (1).
Genome position (GRCh38, 1-based): chr2:218,594,250, C>T. VCF-style: chr2-218594250-C-T. GRCh37 (hg19) VCF-style: chr2-219458973-C-T.
Other names: c.970C>T, p.Arg324Trp (NM_001271634.2); short protein forms R292W, R324W.
Identifiers: ClinVar variation 1706475 (VCV001706475.26), dbSNP rs981210817, ClinGen allele CA65785756.
Genomic context (GRCh38, chr2:218,594,250, plus strand): 5'-ACGAAACGCTGGCTTGCACAACTGGTGAAGAACCTGCAAGAGGGCCAGGTCACCGATCCC[C>T]GGGGTATCCCCCTGCCCCCTCAGTGATCCTTCCCTGTTCCCTCCCACTACTCCCCCAAGT-3'
Protein context (NP_005435.1, residues 282-299): NLQEGQVTDP[Arg292Trp]GIPLPPQ